The following is an entry in ClinVar:

ClinVar aggregate classification (germline): Pathogenic (1 of 4 stars; one submission).

Conditions:
Intellectual developmental disorder, autosomal dominant 64. Also called: MENTAL RETARDATION, AUTOSOMAL DOMINANT 64. Identifiers: MedGen C5543067, MONDO:0030934, OMIM 619188.

Submission:

Victorian Clinical Genetics Services, Murdoch Childrens Research Institute
Classification: Pathogenic for Intellectual developmental disorder, autosomal dominant 64. Last evaluated: 2024-10-09. Review status: criteria provided, single submitter. Criteria: ACMG Guidelines, 2015. Collection method: clinical testing. Allele origin: germline. Inheritance: Autosomal dominant inheritance. Affected: yes.
Comment: Based on the classification scheme VCGS_Germline_v1.3.5, this variant is classified as Pathogenic. Following criteria are met: 0102 - Loss of function is a known mechanism of disease in this gene and is associated with intellectual developmental disorder 64 (MIM#619188). However, the mechanism of disease associated with missense variants is currently unclear due to limited evidence (PMID: 31723249). (I) 0107 - This gene is associated with autosomal dominant disease. (I) 0205 - Variant is predicted to result in a truncated protein (premature termination codon is NOT located at least 54 nucleotides upstream of the final exon-exon junction) with less than 1/3 of the protein sequence affected. (SP) 0251 - This variant is heterozygous. (I) 0301 - Variant is absent from gnomAD (v2, v3 and v4). (SP) 0601 - Variant is not located in an established domain, motif, hotspot or informative constraint region. (I) 0701 - Other truncating variants comparable to the one identified in this case have very strong previous evidence for pathogenicity. Multiple pathogenic PTC variants have been reported downstream of our variant in DECIPHER. It should also be noted that multiple downstream PTC variants have been classified as a VUS; however, limited evidence has been provided regarding their classification (DECIPHER, ClinVar). (SP) 0807 - This variant has no previous evidence of pathogenicity. (I) 0905 - No published segregation evidence has been identified for this variant. (I) 1007 - No published functional evidence has been identified for this variant. (SP) Legend: (SP) - Supporting pathogenic, (I) - Information, (SB) - Supporting benign

Literature cited by the submitters: PubMed 31723249.

NM_015021.3(ZNF292):c.6239_6240del (p.Arg2080fs)

Gene: ZNF292 (zinc finger protein 292; plus strand). Cytogenetic location: 6q14.3.
Variant type: Deletion.
Coding change: c.6239_6240del on transcript NM_015021.3 (MANE Select); coding-DNA positions 6239 to 6240, 2 bases deleted (GG; older notation c.6239_6240delGG).
Protein change: p.Arg2080fs; shifts the reading frame from arginine 2080.
Molecular consequence: frameshift variant.
Genome position (GRCh38, 1-based): chr6:87,259,868-87,259,869, GG deleted. VCF-style (leftmost placement, unchanged base first): chr6-87259867-CGG-C. GRCh37 (hg19) VCF-style: chr6-87969585-CGG-C.
Other names: c.5819_5820del, p.Arg1940fs (NM_001351444.2); short protein forms R1940fs, R2080fs.
Identifiers: ClinVar variation 3377128 (VCV003377128.1).
Genomic context (GRCh38, chr6:87,259,867, plus strand): 5'-ATTACAGTTACTTCAGAACAATGTAATACAAATGCACTCACAAACACACAAACCAAAGGA[CGG>C]AAGATTAGGAGGCATAAAAAAGAAAAGGAGGAGAAAAAACGAAAGAAGCCAGTTTCCCAA-3'